The following is an entry in ClinVar:

ClinVar aggregate classification (germline): Likely benign. Review status: criteria provided, multiple submitters, no conflicts (2 of 4 stars). 2 submissions from 2 submitters: Likely benign (2). Last evaluated 2026-03-04.

Conditions:
AP1S1-related disorder. Also called: AP1S1-related condition.

Allele frequency attached by ClinVar (database versions not stated): gnomAD exomes below 0.00001; ExAC 0.00001; gnomAD 0.00002; TOPMed 0.00002.
gnomAD v4.1: 5 of 1,611,962 alleles (0.00031%); highest among the groups gnomAD compares: African/African-American, 0.0053%; no homozygotes.

Submissions (2):

PreventionGenetics, part of Exact Sciences
Classification: Likely benign for AP1S1-related condition. Last evaluated: 2026-03-04. Review status: criteria provided, single submitter. Criteria: ACMG Guidelines, 2015. Collection method: clinical testing. Allele origin: germline.
Comment: This variant is classified as likely benign based on ACMG/AMP sequence variant interpretation guidelines (Richards et al. 2015 PMID: 25741868, with internal and published modifications).

Labcorp Genetics (formerly Invitae), Labcorp
Classification: Likely benign. Last evaluated: 2024-01-09. Review status: criteria provided, single submitter. Criteria: Invitae Variant Classification Sherloc (09022015). Collection method: clinical testing. Allele origin: germline.

NM_001283.5(AP1S1):c.456G>A (p.Leu152=)

Gene: AP1S1 (adaptor related protein complex 1 subunit sigma 1; plus strand). Cytogenetic location: 7q22.1.
Variant type: single nucleotide variant.
Coding change: c.456G>A on transcript NM_001283.5 (MANE Select); coding-DNA position 456, G replaced by A.
Protein change: p.Leu152=; no amino-acid change (leucine 152 retained).
Molecular consequence: synonymous variant.
Genome position (GRCh38, 1-based): chr7:101,160,545, G>A. VCF-style: chr7-101160545-G-A. GRCh37 (hg19) VCF-style: chr7-100803826-G-A.
Other names: c.456G>A (NM_001283.3).
Identifiers: ClinVar variation 2987859 (VCV002987859.4), dbSNP rs764514912, ClinGen allele CA4406043.